The following is an entry in ClinVar:

ClinVar aggregate classification (germline): Uncertain significance (1 of 4 stars; one submission).

Conditions:
Encephalopathy, acute, infection-induced (herpes-specific), susceptibility to, 1. Also called: Herpes simplex encephalitis, susceptibility to, 1. Identifiers: Orphanet 1930, MedGen C2750180, MONDO:0024563, OMIM 610551.

Allele frequency attached by ClinVar (database versions not stated): TOPMed 0.00002; gnomAD exomes 0.00001 and 0.00007.
gnomAD v4.1: 7 of 1,507,534 alleles (0.00046%); highest among the groups gnomAD compares: Admixed American, 0.015%; no homozygotes.

Submission:

Labcorp Genetics (formerly Invitae), Labcorp
Classification: Uncertain significance for Encephalopathy, acute, infection-induced (herpes-specific), susceptibility to, 1. Last evaluated: 2021-02-15. Review status: criteria provided, single submitter. Criteria: Invitae Variant Classification Sherloc (09022015). Collection method: clinical testing. Allele origin: germline.
Comment: This sequence change replaces glycine with valine at codon 572 of the UNC93B1 protein (p.Gly572Val). There is a moderate physicochemical difference between glycine and valine. The frequency data for this variant in the population databases is considered unreliable, as metrics indicate insufficient coverage at this position in the ExAC database. This variant has not been reported in the literature in individuals with UNC93B1-related conditions. Experimental studies and prediction algorithms are not available or were not evaluated, and the functional significance of this variant is currently unknown. In summary, the available evidence is currently insufficient to determine the role of this variant in disease. Therefore, it has been classified as a Variant of Uncertain Significance.

NM_030930.4(UNC93B1):c.1715G>T (p.Gly572Val)

Gene: UNC93B1 (unc-93B1 regulator of TLR signaling; minus strand). Cytogenetic location: 11q13.2.
Variant type: single nucleotide variant.
Coding change: c.1715G>T on transcript NM_030930.4 (MANE Select); coding-DNA position 1715, G replaced by T.
Protein change: p.Gly572Val; replaces glycine 572 with valine.
Molecular consequence: missense variant.
Genome position (GRCh38, 1-based): chr11:67,991,625, C>A on the plus strand (G>T on the coding strand, the complement: UNC93B1 is on the minus strand). VCF-style: chr11-67991625-C-A. GRCh37 (hg19) VCF-style: chr11-67759096-C-A.
Other names: short protein forms G572V.
Identifiers: ClinVar variation 1475950 (VCV001475950.4), dbSNP rs1458428961, ClinGen allele CA381566923.